The following is an entry in ClinVar:

NM_020964.3(EPG5):c.4966G>T (p.Ala1656Ser)

Gene: EPG5 (ectopic P-granules 5 autophagy tethering factor; minus strand). Cytogenetic location: 18q12.3.
Variant type: single nucleotide variant.
Coding change: c.4966G>T on transcript NM_020964.3 (MANE Select); coding-DNA position 4966, G replaced by T.
Protein change: p.Ala1656Ser; replaces alanine 1656 with serine.
Molecular consequence: missense variant.
Genome position (GRCh38, 1-based): chr18:45,887,894, C>A on the plus strand (G>T on the coding strand, the complement: EPG5 is on the minus strand). VCF-style: chr18-45887894-C-A. GRCh37 (hg19) VCF-style: chr18-43467859-C-A.
Other names: short protein forms A1656S.
Identifiers: ClinVar variation 950516 (VCV000950516.9), dbSNP rs756852013, ClinGen allele CA8948705.
Genomic context (GRCh38, chr18:45,887,894, plus strand): 5'-TAGTAAAGAAAAGGCTAATGCCAACTTTCTGAATCCCAGGTGTAGGCTGCAACTTGTAGG[C>A]ATTCACTAAGGCCCTGTGGGAAAATGTGGGTAAGACTGCAGTCTACAGTAAAAGATTCCA-3'
Protein context (NP_066015.2, residues 1646-1666): AENLITALVN[Ala1656Ser]YKLQPTPGIQ

ClinVar aggregate classification (germline): Uncertain significance (1 of 4 stars; one submission).

Conditions:
Vici syndrome (VICIS). Identifiers: Orphanet 1493, MedGen C1855772, MONDO:0009452, OMIM 242840.

Allele frequency attached by ClinVar (database versions not stated): gnomAD exomes 0.00001; gnomAD 0.00002; TOPMed 0.00002; ExAC 0.00003.
gnomAD v4.1: 13 of 1,577,724 alleles (0.00082%); highest among the groups gnomAD compares: Admixed American, 0.0017%; no homozygotes.

Submission:

Labcorp Genetics (formerly Invitae), Labcorp
Classification: Uncertain significance for Vici syndrome. Last evaluated: 2022-06-13. Review status: criteria provided, single submitter. Criteria: Invitae Variant Classification Sherloc (09022015). Collection method: clinical testing. Allele origin: germline.
Comment: In summary, the available evidence is currently insufficient to determine the role of this variant in disease. Therefore, it has been classified as a Variant of Uncertain Significance. Algorithms developed to predict the effect of missense changes on protein structure and function (SIFT, PolyPhen-2, Align-GVGD) all suggest that this variant is likely to be tolerated. ClinVar contains an entry for this variant (Variation ID: 950516). This variant has not been reported in the literature in individuals affected with EPG5-related conditions. This variant is present in population databases (rs756852013, gnomAD 0.003%). This sequence change replaces alanine, which is neutral and non-polar, with serine, which is neutral and polar, at codon 1656 of the EPG5 protein (p.Ala1656Ser).